The following is an entry in ClinVar:

ClinVar aggregate classification (germline): Uncertain significance. Review status: criteria provided, multiple submitters, no conflicts (2 of 4 stars). 2 submissions from 2 submitters: Uncertain significance (2). Last evaluated 2025-12-29.

Conditions:
Cardiovascular phenotype. Identifiers: MedGen CN230736.

gnomAD v4.1: 4 of 1,613,096 alleles (0.00025%); highest among the groups gnomAD compares: Admixed American, 0.0017%; no homozygotes.

Submissions (2):

Ambry Genetics
Classification: Uncertain significance for Cardiovascular phenotype. Last evaluated: 2025-12-29. Review status: criteria provided, single submitter. Criteria: Ambry Variant Classification Scheme 2023. Collection method: clinical testing. Allele origin: germline.
Comment: The c.2054G>A (p.R685Q) alteration is located in exon 14 (coding exon 14) of the CACNA1C gene. This alteration results from a G to A substitution at nucleotide position 2054, causing the arginine (R) at amino acid position 685 to be replaced by a glutamine (Q). Based on data from gnomAD, the A allele has an overall frequency of <0.001% (1/249090) total alleles studied. The highest observed frequency was 0.001% (1/112248) of European (non-Finnish) alleles. Based on insufficient or conflicting evidence, the clinical significance of this alteration remains unclear.

GeneDx
Classification: Uncertain significance. Last evaluated: 2025-05-28. Review status: criteria provided, single submitter. Criteria: GeneDx Variant Classification Process June 2021. Collection method: clinical testing. Allele origin: germline. Affected: yes.
Comment: Not observed at significant frequency in large population cohorts (gnomAD); In silico analysis supports that this missense variant has a deleterious effect on protein structure/function; Has not been previously published as pathogenic or benign to our knowledge

NM_000719.7(CACNA1C):c.2054G>A (p.Arg685Gln)

Gene: CACNA1C (calcium voltage-gated channel subunit alpha1 C; plus strand). Cytogenetic location: 12p13.33.
Variant type: single nucleotide variant.
Coding change: c.2054G>A on transcript NM_000719.7 (MANE Select); coding-DNA position 2054, G replaced by A.
Protein change: p.Arg685Gln; replaces arginine 685 with glutamine.
Molecular consequence: missense variant.
Genome position (GRCh38, 1-based): chr12:2,581,748, G>A. VCF-style: chr12-2581748-G-A. GRCh37 (hg19) VCF-style: chr12-2690914-G-A.
Other names: c.2054G>A, p.Arg685Gln (NM_001129839.2, NM_001129840.2, NM_001129841.2 and 18 more transcripts); c.2045G>A, p.Arg682Gln (NM_001129844.2); short protein forms R682Q, R685Q.
Identifiers: ClinVar variation 4532336 (VCV004532336.2).
Genomic context (GRCh38, chr12:2,581,748, plus strand): 5'-TCTCCCTCCTGGGGATGCAGCTCTTTGGAGGAAAGTTCAACTTTGATGAGATGCAGACCC[G>A]GAGGAGCACATTCGATAACTTCCCCCAGTCCCTCCTCACTGTGTTTCAGGTATGGACTCT-3'
Protein context (NP_000710.5, residues 675-695): GKFNFDEMQT[Arg685Gln]RSTFDNFPQS